The following is an entry in ClinVar:

NM_000038.6(APC):c.3758C>A (p.Ser1253Tyr)

Gene: APC (APC regulator of Wnt signaling pathway; plus strand). Cytogenetic location: 5q22.2.
Variant type: single nucleotide variant.
Coding change: c.3758C>A on transcript NM_000038.6 (MANE Select); coding-DNA position 3758, C replaced by A.
Protein change: p.Ser1253Tyr; replaces serine 1253 with tyrosine.
Molecular consequence: missense variant.
Genome position (GRCh38, 1-based): chr5:112,839,352, C>A. VCF-style: chr5-112839352-C-A. GRCh37 (hg19) VCF-style: chr5-112175049-C-A.
Other names: c.3683C>A, p.Ser1228Tyr (NM_001354898.2); c.3674C>A, p.Ser1225Tyr (NM_001354899.2); c.3635C>A, p.Ser1212Tyr (NM_001354900.2); c.3581C>A, p.Ser1194Tyr (NM_001354901.2, NM_001407453.1); c.3485C>A, p.Ser1162Tyr (NM_001354902.2); c.3455C>A, p.Ser1152Tyr (NM_001354903.2, NM_001407458.1, NM_001407459.1 and 1 more transcripts); c.3380C>A, p.Ser1127Tyr (NM_001354904.2); c.3278C>A, p.Ser1093Tyr (NM_001354905.2); and 11 more; short protein forms S1093Y, S1152Y, S1170Y, S1243Y, S1246Y, S1263Y, S1281Y, S970Y.
Identifiers: ClinVar variation 1734613 (VCV001734613.2), dbSNP rs2149898454, ClinGen allele CA16029575.

ClinVar aggregate classification (germline): Uncertain significance (1 of 4 stars; one submission).

Conditions:
Hereditary cancer-predisposing syndrome. Also called: Neoplastic Syndromes, Hereditary; Tumor predisposition; Hereditary Cancer Syndrome; Hereditary neoplastic syndrome. Identifiers: Orphanet 140162, MedGen C0027672, MeSH D009386, MONDO:0015356.

Submission:

Ambry Genetics
Classification: Uncertain significance for Hereditary cancer-predisposing syndrome. Last evaluated: 2022-09-27. Review status: criteria provided, single submitter. Criteria: Ambry Variant Classification Scheme 2023. Collection method: clinical testing. Allele origin: germline.
Comment: The p.S1253Y variant (also known as c.3758C>A), located in coding exon 15 of the APC gene, results from a C to A substitution at nucleotide position 3758. The serine at codon 1253 is replaced by tyrosine, an amino acid with dissimilar properties. This amino acid position is conserved. In addition, in silico predictors for this gene do not accurately predict pathogenicity. Since supporting evidence is limited at this time, the clinical significance of this alteration remains unclear.